The following is an entry in ClinVar:

NM_001378454.1(ALMS1):c.7091A>C (p.Gln2364Pro)

Gene: ALMS1 (ALMS1 centrosome and basal body associated protein; plus strand). Cytogenetic location: 2p13.1.
Variant type: single nucleotide variant.
Coding change: c.7091A>C on transcript NM_001378454.1 (MANE Select); coding-DNA position 7091, A replaced by C.
Protein change: p.Gln2364Pro; replaces glutamine 2364 with proline.
Molecular consequence: missense variant.
Genome position (GRCh38, 1-based): chr2:73,453,618, A>C. VCF-style: chr2-73453618-A-C. GRCh37 (hg19) VCF-style: chr2-73680745-A-C.
Other names: c.7094A>C, p.Gln2365Pro (NM_015120.4); short protein forms Q2364P, Q2365P.
Identifiers: ClinVar variation 1310378 (VCV001310378.5), dbSNP rs370992564, ClinGen allele CA1714178.

ClinVar aggregate classification (germline): Uncertain significance. Review status: criteria provided, multiple submitters, no conflicts (2 of 4 stars). 3 submissions from 3 submitters: Uncertain significance (3). Last evaluated 2022-03-07.

Conditions:
Cardiovascular phenotype. Identifiers: MedGen CN230736.

Allele frequency attached by ClinVar (database versions not stated): gnomAD exomes 0.00001 and 0.00002; gnomAD 0.00001; TOPMed 0.00002; ExAC 0.00003; ESP Exome Variant Server 0.00008.
gnomAD v4.1: 9 of 1,613,976 alleles (0.00056%); highest among the groups gnomAD compares: Non-Finnish European, 0.00076%; no homozygotes.

Submissions (3):

Ambry Genetics
Classification: Uncertain significance for Cardiovascular phenotype. Last evaluated: 2022-03-07. Review status: criteria provided, single submitter. Criteria: Ambry Variant Classification Scheme 2023. Collection method: clinical testing. Allele origin: germline.
Comment: The p.Q2365P variant (also known as c.7094A>C), located in coding exon 8 of the ALMS1 gene, results from an A to C substitution at nucleotide position 7094. The glutamine at codon 2365 is replaced by proline, an amino acid with similar properties. This amino acid position is well conserved in available vertebrate species. In addition, this alteration is predicted to be tolerated by in silico analysis. Since supporting evidence is limited at this time, the clinical significance of this alteration remains unclear.

Blueprint Genetics
Classification: Uncertain significance. Last evaluated: 2021-10-13. Review status: criteria provided, single submitter. Criteria: ACMG Guidelines, 2015. Collection method: clinical testing. Allele origin: germline.

GeneDx
Classification: Uncertain significance. Last evaluated: 2019-11-15. Review status: criteria provided, single submitter. Criteria: GeneDx Variant Classification Process June 2021. Collection method: clinical testing. Allele origin: germline. Affected: yes.
Comment: Not observed at a significant frequency in large population cohorts (Lek et al., 2016); Has not been previously published as pathogenic or benign to our knowledge